The following is an entry in ClinVar:

ClinVar aggregate classification (germline): Likely pathogenic (1 of 4 stars; one submission).

Conditions:
Nemaline myopathy 2 (NEM2). Also called: Nemaline myopathy 2, autosomal recessive. Identifiers: MedGen C1850569, MONDO:0009725, OMIM 256030.

Submission:

Labcorp Genetics (formerly Invitae), Labcorp
Classification: Likely pathogenic for Nemaline myopathy 2. Last evaluated: 2023-09-03. Review status: criteria provided, single submitter. Criteria: Invitae Variant Classification Sherloc (09022015). Collection method: clinical testing. Allele origin: germline.
Comment: In summary, the currently available evidence indicates that the variant is pathogenic, but additional data are needed to prove that conclusively. Therefore, this variant has been classified as Likely Pathogenic. This sequence change affects a donor splice site in intron 162 of the NEB gene. It is expected to disrupt RNA splicing. Variants that disrupt the donor or acceptor splice site typically lead to a loss of protein function (PMID: 16199547), and loss-of-function variants in NEB are known to be pathogenic (PMID: 25205138). This variant is not present in population databases (gnomAD no frequency). This variant has not been reported in the literature in individuals affected with NEB-related conditions. Algorithms developed to predict the effect of sequence changes on RNA splicing suggest that this variant may disrupt the consensus splice site.

Literature cited by the submitters: PubMed 16199547; PubMed 25205138.

NM_001164508.2(NEB):c.23346+2T>G

Genes: NEB (nebulin; minus strand), RIF1 (replication timing regulatory factor 1; plus strand). Cytogenetic location: 2q23.3.
Variant type: single nucleotide variant.
Coding change: c.23346+2T>G on transcript NM_001164508.2 (MANE Select); the canonical splice donor site of the intron after coding-DNA position 23346, T replaced by G.
Molecular consequence: splice donor variant.
Genome position (GRCh38, 1-based): chr2:151,512,731, A>C on the plus strand (T>G on the coding strand, the complement: NEB is on the minus strand). VCF-style: chr2-151512731-A-C. GRCh37 (hg19) VCF-style: chr2-152369245-A-C.
Other names: c.18243+2T>G (NM_004543.5); c.23346+2T>G (NM_001164507.2); c.23451+2T>G (NM_001271208.2).
Identifiers: ClinVar variation 2859489 (VCV002859489.3), dbSNP rs2552073380, ClinGen allele CA348749634.
Genomic context (GRCh38, chr2:151,512,731, plus strand): 5'-GGAAGGACTTCCATTCTTTCATGATTGGGGTTTATGAGTGATGGCATGACGAATGTCCTT[A>C]CCTGGCTTGAAAGATTCTTGACTTGTTGGGCATGAATGATCTCTGGAGTATCAACCACAG-3'